The following is an entry in ClinVar:

ClinVar aggregate classification (germline): Benign/Likely benign. Review status: criteria provided, multiple submitters, no conflicts (2 of 4 stars). 9 submissions from 9 submitters: Benign (5); Likely benign (2). 2 of the submissions do not count toward it. Last evaluated 2026-02-04.

Conditions:
Autoinflammatory syndrome. Identifiers: Orphanet 93665, MedGen C3890737, MONDO:0019751.
Chédiak-Higashi syndrome (CHS). Also called: Chediak-Higashi Syndrome. Identifiers: Orphanet 167, MedGen C0007965, MONDO:0008963, OMIM 214500.

Allele frequency attached by ClinVar (database versions not stated): ESP Exome Variant Server 0.04008; gnomAD 0.04030; TOPMed 0.04316; 1000 Genomes Project 0.04433; 1000 Genomes Project 30x 0.04669.
gnomAD v4.1: 11,237 of 1,587,506 alleles (0.71%); highest among the groups gnomAD compares: African/African-American, 13%; 648 homozygotes.

Submissions (9):

Labcorp Genetics (formerly Invitae), Labcorp
Classification: Benign for Chédiak-Higashi syndrome. Last evaluated: 2026-02-04. Review status: criteria provided, single submitter. Criteria: Invitae Variant Classification Sherloc (09022015). Collection method: clinical testing. Allele origin: germline.

Mayo Clinic Laboratories, Mayo Clinic
Classification: Benign. Last evaluated: 2023-09-24. Review status: criteria provided, single submitter. Criteria: ACMG Guidelines, 2015. Collection method: clinical testing. Allele origin: germline. Observed: 70 variant alleles.

Genome Diagnostics Laboratory, The Hospital for Sick Children
Classification: Benign for Autoinflammatory syndrome. Last evaluated: 2022-02-25. Review status: criteria provided, single submitter. Criteria: ACMG Guidelines, 2015. Collection method: clinical testing. Allele origin: germline. Affected: yes.

GeneDx
Classification: Benign. Last evaluated: 2019-07-14. Review status: criteria provided, single submitter. Criteria: GeneDx Variant Classification Process June 2021. Collection method: clinical testing. Allele origin: germline. Affected: yes.

Illumina Laboratory Services, Illumina
Classification: Benign for Chédiak-Higashi syndrome. Last evaluated: 2018-01-13. Review status: criteria provided, single submitter. Criteria: ICSL Variant Classification Criteria 13 December 2019. Collection method: clinical testing. Allele origin: germline.
Comment: This variant was observed in the ICSL laboratory as part of a predisposition screen in an ostensibly healthy population. It had not been previously curated by ICSL or reported in the Human Gene Mutation Database (HGMD: prior to June 1st, 2018), and was therefore a candidate for classification through an automated scoring system. Utilizing variant allele frequency, disease prevalence and penetrance estimates, and inheritance mode, an automated score was calculated to assess if this variant is too frequent to cause the disease. Based on the score and internal cut-off values, a variant classified as benign is not then subjected to further curation. The score for this variant resulted in a classification of benign for this disease.

Breakthrough Genomics
Classification: Likely benign. Review status: criteria provided, single submitter. Criteria: ACMG Guidelines, 2015. Collection method: not provided. Allele origin: germline. Inheritance: Autosomal recessive inheritance. Affected: yes.

PreventionGenetics, part of Exact Sciences
Classification: Likely benign. Review status: criteria provided, single submitter. Criteria: ACMG Guidelines, 2015. Collection method: clinical testing. Allele origin: germline.

Genome Diagnostics Laboratory, University Medical Center Utrecht
Classification: Benign. Review status: no assertion criteria provided. Collection method: clinical testing. Allele origin: germline. Affected: yes. Study: VKGL Data-share Consensus. Not counted in ClinVar's aggregate classification.

Laboratory of Diagnostic Genome Analysis, Leiden University Medical Center (LUMC)
Classification: Benign. Review status: no assertion criteria provided. Collection method: clinical testing. Allele origin: germline. Affected: yes. Study: VKGL Data-share Consensus. Not counted in ClinVar's aggregate classification.

NM_000081.4(LYST):c.3989A>C (p.Asp1330Ala)

Gene: LYST (lysosomal trafficking regulator; minus strand). Cytogenetic location: 1q42.3.
Variant type: single nucleotide variant.
Coding change: c.3989A>C on transcript NM_000081.4 (MANE Select); coding-DNA position 3989, A replaced by C.
Protein change: p.Asp1330Ala; replaces aspartic acid 1330 with alanine.
Molecular consequence: missense variant.
Genome position (GRCh38, 1-based): chr1:235,800,337, T>G on the plus strand (A>C on the coding strand, the complement: LYST is on the minus strand). VCF-style: chr1-235800337-T-G. GRCh37 (hg19) VCF-style: chr1-235963637-T-G.
Other names: p.Asp1330Ala; c.3989A>C, p.Asp1330Ala (NM_001301365.1); short protein forms D1330A.
Identifiers: ClinVar variation 254920 (VCV000254920.25), dbSNP rs74641549, ClinGen allele CA1466951.